The following is an entry in ClinVar:

ClinVar aggregate classification (germline): Benign (0 of 4 stars; one submission).

Conditions:
SPAG17-related disorder. Also called: SPAG17-related condition.

Allele frequency attached by ClinVar (database versions not stated): 1000 Genomes Project 30x 0.28576; 1000 Genomes Project 0.28734; TOPMed 0.34664; gnomAD 0.36225; ESP Exome Variant Server 0.36552; ExAC 0.39480; gnomAD exomes 0.43398.
gnomAD v4.1: 685,765 of 1,608,694 alleles (43%); highest among the groups gnomAD compares: Non-Finnish European, 46%; 151,784 homozygotes.

Submission:

PreventionGenetics, part of Exact Sciences
Classification: Benign for SPAG17-related condition. Last evaluated: 2019-10-17. Review status: no assertion criteria provided. Collection method: clinical testing. Allele origin: germline.
Comment: This variant is classified as benign based on ACMG/AMP sequence variant interpretation guidelines (Richards et al. 2015 PMID: 25741868, with internal and published modifications).

NM_206996.4(SPAG17):c.4043C>T (p.Pro1348Leu)

Gene: SPAG17 (sperm associated antigen 17; minus strand). Cytogenetic location: 1p12.
Variant type: single nucleotide variant.
Coding change: c.4043C>T on transcript NM_206996.4 (MANE Select); coding-DNA position 4043, C replaced by T.
Protein change: p.Pro1348Leu; replaces proline 1348 with leucine.
Molecular consequence: missense variant.
Genome position (GRCh38, 1-based): chr1:118,023,330, G>A on the plus strand (C>T on the coding strand, the complement: SPAG17 is on the minus strand). VCF-style: chr1-118023330-G-A. GRCh37 (hg19) VCF-style: chr1-118565953-G-A.
Other names: short protein forms P1348L.
Identifiers: ClinVar variation 3059236 (VCV003059236.2), dbSNP rs10923472, ClinGen allele CA1033524.